The following is an entry in ClinVar:

NM_017780.4(CHD7):c.2143A>G (p.Asn715Asp)

Gene: CHD7 (chromodomain helicase DNA binding protein 7; plus strand). Cytogenetic location: 8q12.2.
Variant type: single nucleotide variant.
Coding change: c.2143A>G on transcript NM_017780.4 (MANE Select); coding-DNA position 2143, A replaced by G.
Protein change: p.Asn715Asp; replaces asparagine 715 with aspartic acid.
Molecular consequence: missense variant. On other transcripts: intron variant (1).
Genome position (GRCh38, 1-based): chr8:60,795,032, A>G. VCF-style: chr8-60795032-A-G. GRCh37 (hg19) VCF-style: chr8-61707591-A-G.
Other names: c.1716+13982A>G (NM_001316690.1); short protein forms N715D.
Identifiers: ClinVar variation 3625437 (VCV003625437.2).

ClinVar aggregate classification (germline): Uncertain significance (1 of 4 stars; one submission).

Conditions:
CHARGE syndrome (CHARGE). Also called: Hittner Hirsch Kreh syndrome; CHARGE ASSOCIATION--COLOBOMA, HEART ANOMALY, CHOANAL ATRESIA, RETARDATION, GENITAL AND EAR ANOMALIES; Coloboma, heart anomaly, choanal atresia, retardation, genital and ear anomalies; CHARGE association; Hall-Hittner syndrome. Identifiers: Orphanet 138, MedGen C0265354, MONDO:0008965.

Submission:

Labcorp Genetics (formerly Invitae), Labcorp
Classification: Uncertain significance for CHARGE syndrome. Last evaluated: 2024-09-29. Review status: criteria provided, single submitter. Criteria: Invitae Variant Classification Sherloc (09022015). Collection method: clinical testing. Allele origin: germline.
Comment: This sequence change replaces asparagine, which is neutral and polar, with aspartic acid, which is acidic and polar, at codon 715 of the CHD7 protein (p.Asn715Asp). This variant is not present in population databases (gnomAD no frequency). This variant has not been reported in the literature in individuals affected with CHD7-related conditions. Invitae Evidence Modeling of protein sequence and biophysical properties (such as structural, functional, and spatial information, amino acid conservation, physicochemical variation, residue mobility, and thermodynamic stability) indicates that this missense variant is not expected to disrupt CHD7 protein function with a negative predictive value of 95%. In summary, the available evidence is currently insufficient to determine the role of this variant in disease. Therefore, it has been classified as a Variant of Uncertain Significance.